The following is an entry in ClinVar:

NM_201384.3(PLEC):c.12269T>G (p.Phe4090Cys)

Gene: PLEC (plectin; minus strand). Cytogenetic location: 8q24.3.
Variant type: single nucleotide variant.
Coding change: c.12269T>G on transcript NM_201384.3 (MANE Select); coding-DNA position 12269, T replaced by G.
Protein change: p.Phe4090Cys; replaces phenylalanine 4090 with cysteine.
Molecular consequence: missense variant.
Genome position (GRCh38, 1-based): chr8:143,917,552, A>C on the plus strand (T>G on the coding strand, the complement: PLEC is on the minus strand). VCF-style: chr8-143917552-A-C. GRCh37 (hg19) VCF-style: chr8-144991720-A-C.
Other names: c.12350T>G, p.Phe4117Cys (NM_000445.5); c.12227T>G, p.Phe4076Cys (NM_201378.4); c.12203T>G, p.Phe4068Cys (NM_201379.3); c.12680T>G, p.Phe4227Cys (NM_201380.4); c.12173T>G, p.Phe4058Cys (NM_201381.3); c.12269T>G, p.Phe4090Cys (NM_201382.4); c.12281T>G, p.Phe4094Cys (NM_201383.3); short protein forms F4094C, F4117C, F4090C, F4227C, F4058C, F4068C, F4076C.
Identifiers: ClinVar variation 1493824 (VCV001493824.6), dbSNP rs1227023626, ClinGen allele CA372484813.

ClinVar aggregate classification (germline): Uncertain significance (1 of 4 stars; one submission).

Conditions:
Epidermolysis bullosa simplex 5B, with muscular dystrophy (EBS5B). Also called: EPIDERMOLYSIS BULLOSA SIMPLEX AND LIMB-GIRDLE MUSCULAR DYSTROPHY; Epidermolysis bullosa simplex with muscular dystrophy. Identifiers: Orphanet 257, MedGen C2931072, MONDO:0009181, OMIM 226670.
Epidermolysis bullosa simplex 5C, with pyloric atresia (EBS5C). Also called: PLEC1-Related Epidermolysis Bullosa with Pyloric Atresia; PLEC-Related Epidermolysis Bullosa with Pyloric Atresia; Epidermolysis bullosa simplex with pyloric atresia. Identifiers: Orphanet 158684, MedGen C2677349, MONDO:0012807, OMIM 612138.
Epidermolysis bullosa simplex, Ogna type (EBS5A). Also called: Pidermolysis bullosa simplex 5A, Ogna type; EPIDERMOLYSIS BULLOSA SIMPLEX 5A, OGNA TYPE. Identifiers: Orphanet 79401, MedGen C0432317, MONDO:0007555, OMIM 131950.
Autosomal recessive limb-girdle muscular dystrophy type 2Q (LGMDR17). Also called: MUSCULAR DYSTROPHY, LIMB-GIRDLE, AUTOSOMAL RECESSIVE 17. Identifiers: Orphanet 254361, MedGen C3150989, MONDO:0013390, OMIM 613723.
Epidermolysis bullosa simplex with nail dystrophy (EBS5D). Identifiers: MedGen C4225309, MONDO:0014661, OMIM 616487.

Allele frequency attached by ClinVar (database versions not stated): gnomAD exomes below 0.00001; gnomAD 0.00001; TOPMed 0.00001.
gnomAD v4.1: 2 of 1,613,730 alleles (0.00012%); highest among the groups gnomAD compares: African/African-American, 0.0013%; no homozygotes.

Submission:

Labcorp Genetics (formerly Invitae), Labcorp
Classification: Uncertain significance for Autosomal recessive limb-girdle muscular dystrophy type 2Q; Epidermolysis bullosa simplex, Ogna type; Epidermolysis bullosa simplex with nail dystrophy; Epidermolysis bullosa simplex 5C, with pyloric atresia; Epidermolysis bullosa simplex 5B, with muscular dystrophy. Last evaluated: 2022-05-03. Review status: criteria provided, single submitter. Criteria: Invitae Variant Classification Sherloc (09022015). Collection method: clinical testing. Allele origin: germline.
Comment: In summary, the available evidence is currently insufficient to determine the role of this variant in disease. Therefore, it has been classified as a Variant of Uncertain Significance. Algorithms developed to predict the effect of missense changes on protein structure and function (SIFT, PolyPhen-2, Align-GVGD) all suggest that this variant is likely to be disruptive. This variant has not been reported in the literature in individuals affected with PLEC-related conditions. This variant is not present in population databases (gnomAD no frequency). This sequence change replaces phenylalanine, which is neutral and non-polar, with cysteine, which is neutral and slightly polar, at codon 4117 of the PLEC protein (p.Phe4117Cys).